The following is an entry in ClinVar:

NM_001084.5(PLOD3):c.338+1G>T

Gene: PLOD3 (procollagen-lysine,2-oxoglutarate 5-dioxygenase 3; minus strand). Cytogenetic location: 7q22.1.
Variant type: single nucleotide variant.
Coding change: c.338+1G>T on transcript NM_001084.5 (MANE Select); the canonical splice donor site of the intron after coding-DNA position 338, G replaced by T.
Molecular consequence: splice donor variant.
Genome position (GRCh38, 1-based): chr7:101,216,409, C>A on the plus strand (G>T on the coding strand, the complement: PLOD3 is on the minus strand). VCF-style: chr7-101216409-C-A. GRCh37 (hg19) VCF-style: chr7-100859690-C-A.
Identifiers: ClinVar variation 5007114 (VCV005007114.2).

ClinVar aggregate classification (germline): Likely pathogenic (1 of 4 stars; one submission).

Conditions:
Bone fragility with contractures, arterial rupture, and deafness. Also called: LH3 DEFICIENCY; LYSYL HYDROXYLASE 3 DEFICIENCY; BCARD SYNDROME; BONE ABNORMALITIES, CATARACT, ARTERIAL RUPTURE, AND DEAFNESS. Identifiers: Orphanet 300284, MedGen C2676285, MONDO:0012892, OMIM 612394.

Submission:

Juno Genomics, Hangzhou Juno Genomics, Inc
Classification: Likely pathogenic for Bone fragility with contractures, arterial rupture, and deafness. Review status: criteria provided, single submitter. Criteria: ACMG Guidelines, 2015. Collection method: clinical testing. Allele origin: germline.
Comment: Null variant in a gene where loss of function (LOF) is a known mechanism of disease.;Absent from controls (or at extremely low frequency if recessive) in Genome Aggregation Database.